The following is an entry in ClinVar:

NM_004064.5(CDKN1B):c.271C>T (p.Pro91Ser)

Gene: CDKN1B (cyclin dependent kinase inhibitor 1B; plus strand). Cytogenetic location: 12p13.1.
Variant type: single nucleotide variant.
Coding change: c.271C>T on transcript NM_004064.5 (MANE Select); coding-DNA position 271, C replaced by T.
Protein change: p.Pro91Ser; replaces proline 91 with serine.
Molecular consequence: missense variant.
Genome position (GRCh38, 1-based): chr12:12,718,110, C>T. VCF-style: chr12-12718110-C-T. GRCh37 (hg19) VCF-style: chr12-12871044-C-T.
Other names: short protein forms P91S.
Identifiers: ClinVar variation 821710 (VCV000821710.15), dbSNP rs769828807, ClinGen allele CA6457435.

ClinVar aggregate classification (germline): Conflicting classifications of pathogenicity. Review status: criteria provided, conflicting classifications (1 of 4 stars). 3 submissions from 3 submitters: Uncertain significance (2); Likely benign (1). Last evaluated 2025-12-26.

Conditions:
Hereditary cancer-predisposing syndrome. Also called: Hereditary Cancer Syndrome; Neoplastic Syndromes, Hereditary; Hereditary neoplastic syndrome; Tumor predisposition. Identifiers: Orphanet 140162, MedGen C0027672, MeSH D009386, MONDO:0015356.
Multiple endocrine neoplasia type 4. Also called: MULTIPLE ENDOCRINE NEOPLASIA, TYPE IV. Identifiers: Orphanet 276152, MedGen C1970712, MONDO:0012552, OMIM 610755.

Submissions (3):

Labcorp Genetics (formerly Invitae), Labcorp
Classification: Uncertain significance for Multiple endocrine neoplasia type 4. Last evaluated: 2025-12-26. Review status: criteria provided, single submitter. Criteria: Invitae Variant Classification Sherloc (09022015). Collection method: clinical testing. Allele origin: germline.
Comment: This sequence change replaces proline, which is neutral and non-polar, with serine, which is neutral and polar, at codon 91 of the CDKN1B protein (p.Pro91Ser). This variant is present in population databases (rs769828807, gnomAD 0.006%). This variant has not been reported in the literature in individuals affected with CDKN1B-related conditions. ClinVar contains an entry for this variant (Variation ID: 821710). An algorithm developed to predict the effect of missense changes on protein structure and function (PolyPhen-2) suggests that this variant is likely to be tolerated. In summary, the available evidence is currently insufficient to determine the role of this variant in disease. Therefore, it has been classified as a Variant of Uncertain Significance.

Ambry Genetics
Classification: Likely benign for Hereditary cancer-predisposing syndrome. Last evaluated: 2023-07-28. Review status: criteria provided, single submitter. Criteria: Ambry Variant Classification Scheme 2023. Collection method: clinical testing. Allele origin: germline.

Sema4
Classification: Uncertain significance for Hereditary cancer-predisposing syndrome. Last evaluated: 2021-09-25. Review status: criteria provided, single submitter. Criteria: Sema4 Curation Guidelines. Collection method: curation. Allele origin: germline.
Comment: The CDKN1B c.271C>T (p.P91S) variant has not been reported in the literature to our knowledge. It was observed in 2/30616 chromosomes of the South Asian subpopulation in the large and broad cohorts of the Genome Aggregation Database (PMID: 32461654). The variant has been reported in ClinVar (Variation ID: 821710). Functional studies have not been performed, and in silico predictions of the variant's effect on protein function are inconclusive. The evidence is insufficient to meet ACMG/AMP criteria for classifying the variant as benign or pathogenic. Thus, the clinical significance of this variant is currently uncertain.